The following is an entry in ClinVar:

ClinVar aggregate classification (germline): Uncertain significance (1 of 4 stars; one submission).

Allele frequency attached by ClinVar (database versions not stated): TOPMed below 0.00001; gnomAD 0.00003.
gnomAD v4.1: 13 of 1,613,676 alleles (0.00081%); highest among the groups gnomAD compares: South Asian, 0.0011%; no homozygotes.

Submission:

Labcorp Genetics (formerly Invitae), Labcorp
Classification: Uncertain significance. Last evaluated: 2023-08-14. Review status: criteria provided, single submitter. Criteria: Invitae Variant Classification Sherloc (09022015). Collection method: clinical testing. Allele origin: germline.
Comment: This sequence change replaces arginine, which is basic and polar, with cysteine, which is neutral and slightly polar, at codon 27 of the IGF2 protein (p.Arg27Cys). This variant is present in population databases (no rsID available, gnomAD 0.002%). This variant has not been reported in the literature in individuals affected with IGF2-related conditions. An algorithm developed to predict the effect of missense changes on protein structure and function (PolyPhen-2) suggests that this variant is likely to be disruptive. In summary, the available evidence is currently insufficient to determine the role of this variant in disease. Therefore, it has been classified as a Variant of Uncertain Significance.

NM_000612.6(IGF2):c.79C>T (p.Arg27Cys)

Genes: IGF2 (insulin like growth factor 2; minus strand), INS-IGF2 (INS-IGF2 readthrough; minus strand). Cytogenetic location: 11p15.5.
Variant type: single nucleotide variant.
Coding change: c.79C>T on transcript NM_000612.6 (MANE Select); coding-DNA position 79, C replaced by T.
Protein change: p.Arg27Cys; replaces arginine 27 with cysteine.
Molecular consequence: missense variant. On other transcripts: non-coding transcript variant (1).
Genome position (GRCh38, 1-based): chr11:2,135,445, G>A on the plus strand (C>T on the coding strand, the complement: IGF2 is on the minus strand). VCF-style: chr11-2135445-G-A. GRCh37 (hg19) VCF-style: chr11-2156675-G-A.
Other names: c.79C>T, p.Arg27Cys (NM_001007139.6, NM_001291861.3, NM_001291862.3); c.247C>T, p.Arg83Cys (NM_001127598.3); short protein forms R27C, R83C.
Identifiers: ClinVar variation 2856101 (VCV002856101.3), dbSNP rs1230176657, ClinGen allele CA379113944.